The following is an entry in ClinVar:

ClinVar aggregate classification (germline): Uncertain significance (1 of 4 stars; one submission).

Conditions:
Hyper-IgM syndrome type 1. Also called: CD40 Ligand Deficiency; Hyper-IgM Immunodeficiency Syndrome, Type 1; X-linked hyper-IgM syndrome; Immunodeficiency, X-linked, with hyper-IgM. Identifiers: Orphanet 101088, MedGen C0398689, MONDO:0010626, OMIM 308230.

Allele frequency attached by ClinVar (database versions not stated): gnomAD 0.00001; TOPMed 0.00001; ExAC 0.00002; gnomAD exomes 0.00002 and 0.00003; ESP Exome Variant Server 0.00009.
gnomAD v4.1: 29 of 1,194,566 alleles (0.0024%); highest among the groups gnomAD compares: Non-Finnish European, 0.0033%; no homozygotes.

Submission:

Labcorp Genetics (formerly Invitae), Labcorp
Classification: Uncertain significance for Hyper-IgM syndrome type 1. Last evaluated: 2024-09-04. Review status: criteria provided, single submitter. Criteria: Invitae Variant Classification Sherloc (09022015). Collection method: clinical testing. Allele origin: germline.
Comment: This sequence change replaces serine, which is neutral and polar, with arginine, which is basic and polar, at codon 110 of the CD40LG protein (p.Ser110Arg). This variant is present in population databases (rs368691563, gnomAD 0.008%), including at least one homozygous and/or hemizygous individual. This variant has not been reported in the literature in individuals affected with CD40LG-related conditions. ClinVar contains an entry for this variant (Variation ID: 575442). Invitae Evidence Modeling of protein sequence and biophysical properties (such as structural, functional, and spatial information, amino acid conservation, physicochemical variation, residue mobility, and thermodynamic stability) indicates that this missense variant is not expected to disrupt CD40LG protein function with a negative predictive value of 80%. In summary, the available evidence is currently insufficient to determine the role of this variant in disease. Therefore, it has been classified as a Variant of Uncertain Significance.

NM_000074.3(CD40LG):c.330C>A (p.Ser110Arg)

Gene: CD40LG (CD40 ligand; plus strand). Cytogenetic location: Xq26.3.
Variant type: single nucleotide variant.
Coding change: c.330C>A on transcript NM_000074.3 (MANE Select); coding-DNA position 330, C replaced by A.
Protein change: p.Ser110Arg; replaces serine 110 with arginine.
Molecular consequence: missense variant.
Genome position (GRCh38, 1-based): chrX:136,654,414, C>A. VCF-style: chrX-136654414-C-A. GRCh37 (hg19) VCF-style: chrX-135736573-C-A.
Other names: short protein forms S110R.
Identifiers: ClinVar variation 575442 (VCV000575442.9), dbSNP rs368691563, ClinGen allele CA10528114.